The following is an entry in ClinVar:

ClinVar aggregate classification (germline): Uncertain significance. Review status: criteria provided, multiple submitters, no conflicts (2 of 4 stars). 2 submissions from 2 submitters: Uncertain significance (2). Last evaluated 2022-08-21.

Conditions:
Inborn genetic diseases. Identifiers: MedGen C0950123, MeSH D030342.

Allele frequency attached by ClinVar (database versions not stated): gnomAD 0.00001; TOPMed 0.00011; ExAC 0.00013; gnomAD exomes 0.00017.
gnomAD v4.1: 47 of 1,613,660 alleles (0.0029%); highest among the groups gnomAD compares: Admixed American, 0.078%; 1 homozygote.

Submissions (2):

Labcorp Genetics (formerly Invitae), Labcorp
Classification: Uncertain significance. Last evaluated: 2022-08-21. Review status: criteria provided, single submitter. Criteria: Invitae Variant Classification Sherloc (09022015). Collection method: clinical testing. Allele origin: germline.
Comment: This sequence change replaces alanine, which is neutral and non-polar, with threonine, which is neutral and polar, at codon 192 of the STN1 protein (p.Ala192Thr). This variant is present in population databases (rs777102515, gnomAD 0.1%). This variant has not been reported in the literature in individuals affected with STN1-related conditions. ClinVar contains an entry for this variant (Variation ID: 1409088). Algorithms developed to predict the effect of missense changes on protein structure and function output the following: SIFT: "Deleterious"; PolyPhen-2: "Benign"; Align-GVGD: "Class C0". The threonine amino acid residue is found in multiple mammalian species, which suggests that this missense change does not adversely affect protein function. In summary, the available evidence is currently insufficient to determine the role of this variant in disease. Therefore, it has been classified as a Variant of Uncertain Significance.

Ambry Genetics
Classification: Uncertain significance for Inborn genetic diseases. Last evaluated: 2021-06-22. Review status: criteria provided, single submitter. Criteria: Ambry Variant Classification Scheme 2023. Collection method: clinical testing. Allele origin: germline.

NM_024928.5(STN1):c.574G>A (p.Ala192Thr)

Gene: STN1 (STN1 subunit of CST complex; minus strand). Cytogenetic location: 10q24.33.
Variant type: single nucleotide variant.
Coding change: c.574G>A on transcript NM_024928.5 (MANE Select); coding-DNA position 574, G replaced by A.
Protein change: p.Ala192Thr; replaces alanine 192 with threonine.
Molecular consequence: missense variant.
Genome position (GRCh38, 1-based): chr10:103,898,884, C>T on the plus strand (G>A on the coding strand, the complement: STN1 is on the minus strand). VCF-style: chr10-103898884-C-T. GRCh37 (hg19) VCF-style: chr10-105658642-C-T.
Other names: c.574G>A (NM_024928.4); short protein forms A192T.
Identifiers: ClinVar variation 1409088 (VCV001409088.4), dbSNP rs777102515, ClinGen allele CA5676589.
Genomic context (GRCh38, chr10:103,898,884, plus strand): 5'-GCTTCAGTTTTCTGCCGTGGTCACGTGCTCAGCAGTGATAAGTCACCACTTACCTTAGTG[C>T]CTCTTCTTTCTCTAGGGCTGAGCTGTGAAAAGGCTGGTCATAAACTTTCCTGTAGATAGT-3'
Protein context (NP_079204.2, residues 182-202): FHSSALEKEE[Ala192Thr]LSNPGALDLP